The following is an entry in ClinVar:

NM_004360.5(CDH1):c.2165-15C>A

Gene: CDH1 (cadherin 1; plus strand). Cytogenetic location: 16q22.1.
Variant type: single nucleotide variant.
Coding change: c.2165-15C>A on transcript NM_004360.5 (MANE Select); 15 bases into the intron before coding-DNA position 2165, C replaced by A.
Molecular consequence: intron variant.
Genome position (GRCh38, 1-based): chr16:68,828,159, C>A. VCF-style: chr16-68828159-C-A. GRCh37 (hg19) VCF-style: chr16-68862062-C-A.
Other names: c.2165-15C>A (LRG_301t1); c.617-15C>A (NM_001317185.2); c.200-15C>A (NM_001317186.2); c.1982-15C>A (NM_001317184.2).
Identifiers: ClinVar variation 182385 (VCV000182385.22), dbSNP rs552874184, ClinGen allele CA298956.

ClinVar aggregate classification (germline): Conflicting classifications of pathogenicity. Review status: criteria provided, conflicting classifications (1 of 4 stars). 8 submissions from 8 submitters: Uncertain significance (1); Benign (2); Likely benign (3). 2 of the submissions do not count toward it. Last evaluated 2026-01-16.

Conditions:
Hereditary cancer-predisposing syndrome. Also called: Tumor predisposition; Hereditary Cancer Syndrome; Hereditary neoplastic syndrome; Neoplastic Syndromes, Hereditary. Identifiers: Orphanet 140162, MedGen C0027672, MeSH D009386, MONDO:0015356.
Hereditary diffuse gastric adenocarcinoma (HDGC). Also called: DIFFUSE GASTRIC AND LOBULAR BREAST CANCER SYNDROME. Identifiers: Orphanet 26106, MedGen C1708349, MONDO:0007648, OMIM 137215.

Allele frequency attached by ClinVar (database versions not stated): gnomAD exomes 0.00002 and 0.00013; gnomAD 0.00004 and 0.00006; TOPMed 0.00005; ExAC 0.00010; 1000 Genomes Project 30x 0.00047; 1000 Genomes Project 0.00060.
gnomAD v4.1: 38 of 1,613,468 alleles (0.0024%); highest among the groups gnomAD compares: East Asian, 0.069%; 1 homozygote.

Submissions (9):

Labcorp Genetics (formerly Invitae), Labcorp
Classification: Benign for Hereditary diffuse gastric adenocarcinoma. Last evaluated: 2026-01-16. Review status: criteria provided, single submitter. Criteria: Invitae Variant Classification Sherloc (09022015). Collection method: clinical testing. Allele origin: germline.

Center for Genomic Medicine, Rigshospitalet, Copenhagen University Hospital
Classification: Likely benign. Last evaluated: 2025-12-29. Review status: criteria provided, single submitter. Criteria: ACMG Guidelines, 2015. Collection method: clinical testing. Allele origin: germline.

Color Diagnostics, LLC DBA Color Health
Classification: Likely benign for Hereditary cancer-predisposing syndrome. Last evaluated: 2025-03-19. Review status: criteria provided, single submitter. Criteria: ACMG Guidelines, 2015. Collection method: clinical testing. Allele origin: germline.

Myriad Genetics, Inc.
Classification: Uncertain significance for Hereditary diffuse gastric adenocarcinoma. Last evaluated: 2023-03-06. Review status: criteria provided, single submitter. Criteria: Myriad Autosomal Dominant, Autosomal Recessive and X-Linked Classification Criteria (2023). Collection method: clinical testing. Allele origin: unknown.
Comment: This variant is classified as a variant of uncertain significance as there is insufficient evidence to determine its impact on protein function and/or cancer risk.

Sema4
Classification: Likely benign for Hereditary cancer-predisposing syndrome. Last evaluated: 2022-01-06. Review status: criteria provided, single submitter. Criteria: Sema4 Curation Guidelines. Collection method: curation. Allele origin: germline.

GeneDx
Classification: Benign. Last evaluated: 2014-06-13. Review status: criteria provided, single submitter. Criteria: GeneDx Variant Classification (06012015). Collection method: clinical testing. Allele origin: germline. Affected: yes.
Comment: This variant is considered likely benign or benign based on one or more of the following criteria: it is a conservative change, it occurs at a poorly conserved position in the protein, it is predicted to be benign by multiple in silico algorithms, and/or has population frequency not consistent with disease.

Counsyl
Classification: Likely benign for Hereditary diffuse gastric adenocarcinoma. Last evaluated: 2018-01-30. Review status: no assertion criteria provided. Collection method: clinical testing. Allele origin: unknown. Not counted in ClinVar's aggregate classification.

Department of Pathology and Laboratory Medicine, Sinai Health System
Classification: Likely benign. Review status: no assertion criteria provided. Collection method: clinical testing. Allele origin: unknown. Affected: yes. Study: The Canadian Open Genetics Repository (COGR). Not counted in ClinVar's aggregate classification.
Comment: The CDH1 c.2165-15C>A variant was not identified in the literature nor was it identified in the Cosmic, MutDB, Insight Colon Cancer Gene Variant, and Zhejiang Colon Cancer databases. The variant was identified in the following databases: dbSNP (ID: rs552874184) as â€šÃ„Ãºwith likely benign alleleâ€šÃ„Ã¹, in ClinVar and Clinvitae databases as benign by GeneDx and likely benign by Illumina Clinical Services. The variant was also identified in the 1000 Genomes Project in 3 of 5000 chromosomes (frequency: 0.0006). Furthermore, the variant was identified in control databases in 33 of 277016 chromosomes at a frequency of 0.0001 in the following populations: East Asian in 32 of 18868 chromosomes (freq. 0.002), and South Asian in 1 of 30780 chromosomes (freq. 0.00003), but was not seen in the African, Latino, European Non-Finnish, Ashkenazi Jewish, European Finnish, and other populations, increasing the likelihood that this may be a low frequency variant in certain populations of origin (Genome Aggregation Consortium Feb 27, 2017). The variant occurs outside of the splicing consensus sequence and 1 of 5 in silico or computational prediction software programs (SpliceSiteFinder, MaxEntScan, NNSPLICE, GeneSplicer, HumanSpliceFinder) predict a greater than 10% difference in splicing; this is not very predictive of pathogenicity. In summary, based on the above information the clinical significance of this variant cannot be determined with certainty at this time although we would lean towards a more benign role for this variant. This variant is classified as likely benign.

Dr. Peter K. Rogan Lab, Western University
No classification provided (evidence only). Condition: Malignant tumor of esophagus. Review status: no classification provided. Collection method: in vitro. Allele origin: not applicable. Functional consequence: retained intron. Not counted in ClinVar's aggregate classification.

Literature cited by the submitters: PubMed 27978560 (cited by Counsyl).